The following is an entry in ClinVar:

NM_006361.6(HOXB13):c.123G>T (p.Thr41=)

Gene: HOXB13 (homeobox B13; minus strand). Cytogenetic location: 17q21.32.
Variant type: single nucleotide variant.
Coding change: c.123G>T on transcript NM_006361.6 (MANE Select); coding-DNA position 123, G replaced by T.
Protein change: p.Thr41=; no amino-acid change (threonine 41 retained).
Molecular consequence: synonymous variant.
Genome position (GRCh38, 1-based): chr17:48,728,471, C>A on the plus strand (G>T on the coding strand, the complement: HOXB13 is on the minus strand). VCF-style: chr17-48728471-C-A. GRCh37 (hg19) VCF-style: chr17-46805833-C-A.
Identifiers: ClinVar variation 1758026 (VCV001758026.3), dbSNP rs1597935055, ClinGen allele CA500502821.

ClinVar aggregate classification (germline): Benign/Likely benign. Review status: criteria provided, multiple submitters, no conflicts (2 of 4 stars). 2 submissions from 2 submitters: Benign (1); Likely benign (1). Last evaluated 2024-10-29.

Conditions:
Prostate cancer, hereditary, 9 (HPC9). Identifiers: Orphanet 1331, MedGen C1970250, MONDO:0012597, OMIM 610997.
Hereditary cancer-predisposing syndrome. Also called: Neoplastic Syndromes, Hereditary; Tumor predisposition; Hereditary Cancer Syndrome; Hereditary neoplastic syndrome. Identifiers: Orphanet 140162, MedGen C0027672, MeSH D009386, MONDO:0015356.

Submissions (2):

Myriad Genetics, Inc.
Classification: Benign for Prostate cancer, hereditary, 9. Last evaluated: 2024-10-29. Review status: criteria provided, single submitter. Criteria: Myriad Autosomal Dominant, Autosomal Recessive and X-Linked Classification Criteria (2023). Collection method: clinical testing. Allele origin: unknown.
Comment: This variant is considered benign. This variant is a silent/synonymous amino acid change and it is not expected to impact splicing.

Ambry Genetics
Classification: Likely benign for Hereditary cancer-predisposing syndrome. Last evaluated: 2020-09-03. Review status: criteria provided, single submitter. Criteria: Ambry Variant Classification Scheme 2023. Collection method: clinical testing. Allele origin: germline.